The following is an entry in ClinVar:

NM_001048174.2(MUTYH):c.640G>C (p.Val214Leu)

Gene: MUTYH (mutY DNA glycosylase; minus strand). Cytogenetic location: 1p34.1.
Variant type: single nucleotide variant.
Coding change: c.640G>C on transcript NM_001048174.2 (MANE Select); coding-DNA position 640, G replaced by C.
Protein change: p.Val214Leu; replaces valine 214 with leucine.
Molecular consequence: missense variant. On other transcripts: non-coding transcript variant (2).
Genome position (GRCh38, 1-based): chr1:45,332,455, C>G on the plus strand (G>C on the coding strand, the complement: MUTYH is on the minus strand). VCF-style: chr1-45332455-C-G. GRCh37 (hg19) VCF-style: chr1-45798127-C-G.
Other names: c.640G>C, p.Val214Leu (NM_001048171.2, NM_001048173.2, NM_001293195.2); c.643G>C, p.Val215Leu (NM_001048172.2); c.724G>C, p.Val242Leu (NM_001128425.2); c.685G>C, p.Val229Leu (NM_001293190.2); c.673G>C, p.Val225Leu (NM_001293191.2); c.364G>C, p.Val122Leu (NM_001293192.2, NM_001293196.2); c.295G>C, p.Val99Leu (NM_001350650.2, NM_001350651.2); c.715G>C, p.Val239Leu (NM_012222.3); short protein forms V242L, V122L, V239L, V214L, V215L, V99L, V225L, V229L.
Identifiers: ClinVar variation 421461 (VCV000421461.2), dbSNP rs769766446, ClinGen allele CA16617161.
Genomic context (GRCh38, chr1:45,332,455, plus strand): 5'-GCTGCTGGGAAACAAGGGTGCTGCTGGGATCAGCACCAATGGCTCGGACACGGCACAGCA[C>G]CCGTGCTACGTTGCCATCCACCACACCGGTTGCCTGGCACAGAGGGGCCAAAGAGTTAGC-3'
Protein context (NP_001041639.1, residues 204-224): TGVVDGNVAR[Val214Leu]LCRVRAIGAD

ClinVar aggregate classification (germline): Uncertain significance (1 of 4 stars; one submission).

Submission:

GeneDx
Classification: Uncertain significance. Last evaluated: 2016-06-15. Review status: criteria provided, single submitter. Criteria: GeneDx Variant Classification (06012015). Collection method: clinical testing. Allele origin: germline. Affected: yes.
Comment: This variant is denoted MUTYH c.724G>C at the cDNA level, p.Val242Leu (V242L) at the protein level, and results in the change of a Valine to a Leucine (GTG>CTG). This variant has not, to our knowledge, been published in the literature as pathogenic or benign. MUTYH Val242Leu was not observed in approximately 6,500 individuals of European and African American ancestry in the NHLBI Exome Sequencing Project, suggesting it is not a common benign variant in these populations. Since Valine and Leucine share similar properties, this is considered a conservative amino acid substitution. MUTYH Val242Leu occurs at a position that is conserved across species and is located within the FeS cluster (Ruggieri 2013). In silico analyses are inconsistent regarding the effect this variant may have on protein structure and function. Based on currently available evidence, it is unclear whether MUTYH Val242Leu is a pathogenic or benign variant. We consider it to be a variant of uncertain significance. Of note, MUTYH-Associated Polyposis (MAP) is a recessive condition associated with two pathogenic variants on opposite chromosomes in MUTYH.